The following is an entry in ClinVar:

ClinVar aggregate classification (germline): Uncertain significance (1 of 4 stars; one submission).

Allele frequency attached by ClinVar (database versions not stated): gnomAD exomes below 0.00001.
gnomAD v4.1: 3 of 1,211,558 alleles (0.00025%); highest among the groups gnomAD compares: African/African-American, 0.0052%; no homozygotes.

Submission:

GeneDx
Classification: Uncertain significance. Last evaluated: 2022-05-31. Review status: criteria provided, single submitter. Criteria: GeneDx Variant Classification Process June 2021. Collection method: clinical testing. Allele origin: germline. Affected: yes.
Comment: Not observed at significant frequency in large population cohorts (gnomAD); In silico analysis supports that this missense variant does not alter protein structure/function; Has not been previously published as pathogenic or benign to our knowledge

NM_001039591.3(USP9X):c.4541G>A (p.Arg1514Lys)

Gene: USP9X (ubiquitin specific peptidase 9 X-linked; plus strand). Cytogenetic location: Xp11.4.
Variant type: single nucleotide variant.
Coding change: c.4541G>A on transcript NM_001039591.3 (MANE Select); coding-DNA position 4541, G replaced by A.
Protein change: p.Arg1514Lys; replaces arginine 1514 with lysine.
Molecular consequence: missense variant.
Genome position (GRCh38, 1-based): chrX:41,198,688, G>A. VCF-style: chrX-41198688-G-A. GRCh37 (hg19) VCF-style: chrX-41057941-G-A.
Other names: c.4541G>A, p.Arg1514Lys (NM_001039590.3); c.4556G>A, p.Arg1519Lys (NM_001410748.1, NM_001410749.1); short protein forms R1514K, R1519K.
Identifiers: ClinVar variation 1801883 (VCV001801883.1), dbSNP rs2519317483, ClinGen allele CA412776005.